The following is an entry in ClinVar:

NM_002335.4(LRP5):c.3322ACC[1] (p.Thr1109del)

Gene: LRP5 (LDL receptor related protein 5; plus strand). Cytogenetic location: 11q13.2.
Variant type: Microsatellite.
Coding change: c.3322ACC[1] on transcript NM_002335.4 (MANE Select); one copy of the 3-base unit ACC starting at c.3322; the reference has two copies in a row; one copy, 3 bases deleted.
Protein change: p.Thr1109del; deletes threonine 1109.
Molecular consequence: inframe deletion.
Genome position (GRCh38, 1-based): chr11:68,425,190-68,425,192, ACC deleted; deleting any 3 consecutive bases within chr11:68,425,186-68,425,192 gives the same sequence; the position shown is the placement nearest the transcript's 3' end. VCF-style (leftmost placement, unchanged base first): chr11-68425185-TCAC-T. GRCh37 (hg19) VCF-style: chr11-68192653-TCAC-T.
Other names: c.1579ACC[1], p.Thr528del (NM_001291902.2); short protein forms T1109del, T528del.
Identifiers: ClinVar variation 2428655 (VCV002428655.3), dbSNP rs2496825065, ClinGen allele CA2580615751.

ClinVar aggregate classification (germline): Uncertain significance (1 of 4 stars; one submission).

Submission:

ARUP Laboratories, Molecular Genetics and Genomics, ARUP Laboratories
Classification: Uncertain significance. Last evaluated: 2022-03-22. Review status: criteria provided, single submitter. Criteria: ARUP Molecular Germline Variant Investigation Process 2021. Collection method: clinical testing. Allele origin: germline.
Comment: The LRP5 c.3325_3327delACC; p.Thr1109del variant, to our knowledge, is not reported in the medical literature or gene specific databases. This variant is also absent from the Genome Aggregation Database, indicating it is not a common polymorphism. This variant deletes a single threonine residue leaving the rest of the protein in-frame. Due to limited information, the clinical significance of this variant is uncertain at this time.